The following is an entry in ClinVar:

ClinVar aggregate classification (germline): Uncertain significance (1 of 4 stars; one submission).

Submission:

GeneDx
Classification: Uncertain significance. Last evaluated: 2026-10-22. Review status: criteria provided, single submitter. Criteria: GeneDx Variant Classification Process June 2021. Collection method: clinical testing. Allele origin: germline.
Comment: Not observed at significant frequency in large population cohorts (gnomAD); In silico analysis supports that this missense variant has a deleterious effect on protein structure/function; Has not been previously published as pathogenic or benign to our knowledge

NM_003128.3(SPTBN1):c.4187T>A (p.Leu1396Gln)

Gene: SPTBN1 (spectrin beta, non-erythrocytic 1; plus strand). Cytogenetic location: 2p16.2.
Variant type: single nucleotide variant.
Coding change: c.4187T>A on transcript NM_003128.3 (MANE Select); coding-DNA position 4187, T replaced by A.
Protein change: p.Leu1396Gln; replaces leucine 1396 with glutamine.
Molecular consequence: missense variant.
Genome position (GRCh38, 1-based): chr2:54,644,504, T>A. VCF-style: chr2-54644504-T-A. GRCh37 (hg19) VCF-style: chr2-54871641-T-A.
Other names: c.4148T>A, p.Leu1383Gln (NM_178313.3); short protein forms L1383Q, L1396Q.
Identifiers: ClinVar variation 1803554 (VCV001803554.3), dbSNP rs767943115, ClinGen allele CA346899710.